The following is an entry in ClinVar:

NM_004530.6(MMP2):c.*93C>T

Gene: MMP2 (matrix metallopeptidase 2; plus strand). Cytogenetic location: 16q12.2.
Variant type: single nucleotide variant.
Coding change: c.*93C>T on transcript NM_004530.6 (MANE Select); 93 bases downstream of the stop codon, C replaced by T.
Molecular consequence: 3 prime UTR variant.
Genome position (GRCh38, 1-based): chr16:55,505,535, C>T. VCF-style: chr16-55505535-C-T. GRCh37 (hg19) VCF-style: chr16-55539447-C-T.
Other names: c.*93C>T (NM_001127891.3, NM_001302508.1, NM_001302509.2 and 1 more transcripts).
Identifiers: ClinVar variation 887104 (VCV000887104.5), dbSNP rs112159982, ClinGen allele CA281401908.
Genomic context (GRCh38, chr16:55,505,535, plus strand): 5'-CACTGCCTTCGATACACCGGGCCTGGAGAACTAGAGAAGGACCCGGAGGGGCCTGGCAGC[C>T]GTGCCTTCAGCTCTACAGCTAATCAGCATTCTCACTCCTACCTGGTAATTTAAGATTCCA-3'

ClinVar aggregate classification (germline): Benign. Review status: criteria provided, multiple submitters, no conflicts (2 of 4 stars). 2 submissions from 2 submitters: Benign (2). Last evaluated 2018-01-12.

Conditions:
Multicentric osteolysis nodulosis arthropathy spectrum. Identifiers: Orphanet 3460, Orphanet 371428, MedGen C1850155, MONDO:0018298.

Allele frequency attached by ClinVar (database versions not stated): gnomAD 0.00071 and 0.00138; TOPMed 0.00086; gnomAD exomes 0.00217; 1000 Genomes Project 30x 0.00703; 1000 Genomes Project 0.00779.
gnomAD v4.1: 2,209 of 1,061,198 alleles (0.21%); highest among the groups gnomAD compares: East Asian, 1.9%; 31 homozygotes.

Submissions (2):

Illumina Laboratory Services, Illumina
Classification: Benign for Multicentric osteolysis, nodulosis, and arthropathy. Last evaluated: 2018-01-12. Review status: criteria provided, single submitter. Criteria: ICSL Variant Classification Criteria 13 December 2019. Collection method: clinical testing. Allele origin: germline.
Comment: This variant was observed in the ICSL laboratory as part of a predisposition screen in an ostensibly healthy population. It had not been previously curated by ICSL or reported in the Human Gene Mutation Database (HGMD: prior to June 1st, 2018), and was therefore a candidate for classification through an automated scoring system. Utilizing variant allele frequency, disease prevalence and penetrance estimates, and inheritance mode, an automated score was calculated to assess if this variant is too frequent to cause the disease. Based on the score and internal cut-off values, a variant classified as benign is not then subjected to further curation. The score for this variant resulted in a classification of benign for this disease.

Breakthrough Genomics
Classification: Benign. Review status: criteria provided, single submitter. Criteria: ACMG Guidelines, 2015. Collection method: not provided. Allele origin: germline. Inheritance: Autosomal recessive inheritance. Affected: yes.